The following is an entry in ClinVar:

NM_181336.4(LEMD2):c.956A>G (p.Lys319Arg)

Gene: LEMD2 (LEM domain nuclear envelope protein 2; minus strand). Cytogenetic location: 6p21.31.
Variant type: single nucleotide variant.
Coding change: c.956A>G on transcript NM_181336.4 (MANE Select); coding-DNA position 956, A replaced by G.
Protein change: p.Lys319Arg; replaces lysine 319 with arginine.
Molecular consequence: missense variant.
Genome position (GRCh38, 1-based): chr6:33,780,154, T>C on the plus strand (A>G on the coding strand, the complement: LEMD2 is on the minus strand). VCF-style: chr6-33780154-T-C. GRCh37 (hg19) VCF-style: chr6-33747931-T-C.
Other names: c.50A>G, p.Lys17Arg (NM_001143944.1, NM_001348709.2); c.557A>G, p.Lys186Arg (NM_001348710.2); short protein forms K319R, K17R, K186R.
Identifiers: ClinVar variation 4768992 (VCV004768992.1).

ClinVar aggregate classification (germline): Uncertain significance (1 of 4 stars; one submission).

gnomAD v4.1: 6 of 1,594,826 alleles (0.00038%); highest among the groups gnomAD compares: South Asian, 0.0034%; no homozygotes.

Submission:

Labcorp Genetics (formerly Invitae), Labcorp
Classification: Uncertain significance. Last evaluated: 2025-06-03. Review status: criteria provided, single submitter. Criteria: Invitae Variant Classification Sherloc (09022015). Collection method: clinical testing. Allele origin: germline.
Comment: This sequence change replaces lysine, which is basic and polar, with arginine, which is basic and polar, at codon 319 of the LEMD2 protein (p.Lys319Arg). The frequency data for this variant in the population databases is considered unreliable, as metrics indicate poor data quality at this position in the gnomAD database. This variant has not been reported in the literature in individuals affected with LEMD2-related conditions. An algorithm developed to predict the effect of missense changes on protein structure and function outputs the following: PolyPhen-2: "Benign". The arginine amino acid residue is found in multiple mammalian species, which suggests that this missense change does not adversely affect protein function. In summary, the available evidence is currently insufficient to determine the role of this variant in disease. Therefore, it has been classified as a Variant of Uncertain Significance.